The following is an entry in ClinVar:

ClinVar aggregate classification (germline): Uncertain significance (1 of 4 stars; one submission).

Conditions:
Intellectual developmental disorder, X-linked 106. Also called: Intellectual disability, X-linked 106; Mental retardation, X-linked 106. Identifiers: MedGen C4478379, MONDO:0030907, OMIM 300997.

Submission:

Illumina Laboratory Services, Illumina
Classification: Uncertain significance for Intellectual developmental disorder, X-linked 106. Last evaluated: 2023-12-14. Review status: criteria provided, single submitter. Criteria: ISL SNV Classification Criteria 03 February 2026. Collection method: clinical testing. Allele origin: unknown.
Comment: The OGT c.2533T>A p.(Cys845Ser) missense variant has not, to our knowledge, been reported in patients in the peer-reviewed literature. This variant is not observed in version 2.1.1 or version 4.0.0 of the Genome Aggregation Database. A functional study conducted in a human cell line demonstrated that this variant results in enzyme activity of 30% compared to wild type (PMID: 26854602). The variant is located in the catalytic domain at a residue known to form a disulfide bridge with Cys921, a residue at which another missense variant has been reported in a family with multiple affected males (PMID: 37334838). Based on the available evidence, the c.2533T>A p.(Cys845Ser) variant is classified as a variant of uncertain significance.

Literature cited by the submitters: PubMed 37334838; PubMed 26854602.

NM_181672.3(OGT):c.2533T>A (p.Cys845Ser)

Gene: OGT (O-linked N-acetylglucosamine (GlcNAc) transferase; plus strand). Cytogenetic location: Xq13.1.
Variant type: single nucleotide variant.
Coding change: c.2533T>A on transcript NM_181672.3 (MANE Select); coding-DNA position 2533, T replaced by A.
Protein change: p.Cys845Ser; replaces cysteine 845 with serine.
Molecular consequence: missense variant.
Genome position (GRCh38, 1-based): chrX:71,564,697, T>A. VCF-style: chrX-71564697-T-A. GRCh37 (hg19) VCF-style: chrX-70784547-T-A.
Other names: c.2503T>A, p.Cys835Ser (NM_181673.3); short protein forms C835S, C845S.
Identifiers: ClinVar variation 989385 (VCV000989385.5), dbSNP rs2040405196, ClinGen allele CA413569146.